The following is an entry in ClinVar:

NC_000015.9:g.(?_91326032)_(91326178_?)del

Gene: BLM (BLM RecQ like helicase; plus strand). Cytogenetic location: 15q26.1.
Variant type: Deletion.
Identifiers: ClinVar variation 2422255 (VCV002422255.5).

ClinVar aggregate classification (germline): Pathogenic (1 of 4 stars; one submission).

Conditions:
Bloom syndrome (BLM). Also called: Bloom-Torre-Machacek syndrome. Identifiers: Orphanet 125, MedGen C0005859, MONDO:0008876, OMIM 210900.

Submission:

Labcorp Genetics (formerly Invitae), Labcorp
Classification: Pathogenic for Bloom syndrome. Last evaluated: 2022-09-10. Review status: criteria provided, single submitter. Criteria: Invitae Variant Classification Sherloc (09022015). Collection method: clinical testing. Allele origin: germline.
Comment: For these reasons, this variant has been classified as Pathogenic. This variant has not been reported in the literature in individuals affected with BLM-related conditions. This variant is a gross deletion of the genomic region encompassing exon(s) 13 of the BLM gene. This deletion is out-of-frame, and is expected to create a premature termination codon and result in an absent or disrupted protein product. Loss-of-function variants in BLM are known to be pathogenic (PMID: 17407155).

Literature cited by the submitters: PubMed 17407155.